The following is an entry in ClinVar:

NM_002834.5(PTPN11):c.1379+20C>T

Gene: PTPN11 (protein tyrosine phosphatase non-receptor type 11; plus strand). Cytogenetic location: 12q24.13.
Variant type: single nucleotide variant.
Coding change: c.1379+20C>T on transcript NM_002834.5 (MANE Select); 20 bases into the intron after coding-DNA position 1379, C replaced by T.
Molecular consequence: intron variant. On other transcripts: 3 prime UTR variant (1).
Genome position (GRCh38, 1-based): chr12:112,486,649, C>T. VCF-style: chr12-112486649-C-T. GRCh37 (hg19) VCF-style: chr12-112924453-C-T.
Other names: c.*16C>T (NM_080601.3); c.1391+20C>T (NM_001330437.2); c.1376+20C>T (NM_001374625.1); c.1379+20C>T (NM_002834.4).
Identifiers: ClinVar variation 138839 (VCV000138839.24), dbSNP rs184743462, ClinGen allele CA292968.
Genomic context (GRCh38, chr12:112,486,649, plus strand): 5'-GAGAGCATCATGGATGCAGGGCCGGTCGTGGTGCACTGCAGGTGACAGCTCCTGCTGCCC[C>T]TCTAGGCCACAGCCTGTCCCTGTCTCCTAGCGCCCAGGGCTTGCTTTTACCTACCCACTC-3'

ClinVar aggregate classification (germline): Benign/Likely benign. Review status: criteria provided, multiple submitters, no conflicts (2 of 4 stars). 9 submissions from 8 submitters: Benign (5); Likely benign (4). Last evaluated 2026-02-03.

Conditions:
Cardiovascular phenotype. Identifiers: MedGen CN230736.
LEOPARD syndrome 1 (LPRD1). Also called: LENTIGINOSIS, CARDIOMYOPATHIC; MULTIPLE LENTIGINES SYNDROME; PTPN11-Related LEOPARD Syndrome. Identifiers: Orphanet 500, MedGen C4551484, MONDO:0100082, OMIM 151100.
Noonan syndrome 1 (NS1). Also called: TURNER PHENOTYPE WITH NORMAL KARYOTYPE; FEMALE PSEUDO-TURNER SYNDROME; PTPN11-Related Noonan Syndrome. Identifiers: Orphanet 648, MedGen C4551602, MONDO:0008104, OMIM 163950. Disease mechanism: gain of function.
Juvenile myelomonocytic leukemia (JMML). Also called: LEUKEMIA, JUVENILE MYELOMONOCYTIC, SOMATIC. Identifiers: Orphanet 86834, MedGen C0349639, MONDO:0011908, OMIM 607785, HP:0012209.
Metachondromatosis (METCDS). Identifiers: Orphanet 2499, MedGen C0410530, MONDO:0007979, OMIM 156250.
RASopathy. Also called: Noonan spectrum disorder; rasopathies. Identifiers: Orphanet 536391, MedGen C5555857, MONDO:0021060.

Allele frequency attached by ClinVar (database versions not stated): ESP Exome Variant Server 0.00015; gnomAD 0.00047 and 0.00065; TOPMed 0.00059; gnomAD exomes 0.00075 and 0.00136; 1000 Genomes Project 30x 0.00141; ExAC 0.00153; 1000 Genomes Project 0.00160.
gnomAD v4.1: 1,202 of 1,611,546 alleles (0.075%); highest among the groups gnomAD compares: East Asian, 1.5%; 11 homozygotes.

Submissions (9):

Labcorp Genetics (formerly Invitae), Labcorp
Classification: Benign for RASopathy. Last evaluated: 2026-02-03. Review status: criteria provided, single submitter. Criteria: Invitae Variant Classification Sherloc (09022015). Collection method: clinical testing. Allele origin: germline.

KCCC/NGS Laboratory, Kuwait Cancer Control Center
Classification: Benign for Metachondromatosis. Last evaluated: 2025-02-01. Review status: criteria provided, single submitter. Criteria: ACMG Guidelines, 2015. Collection method: clinical testing. Allele origin: germline. Affected: no.

Blueprint Genetics
Classification: Likely benign. Last evaluated: 2024-11-27. Review status: criteria provided, single submitter. Criteria: ACMG Guidelines, 2015. Collection method: clinical testing. Allele origin: germline.

KCCC/NGS Laboratory, Kuwait Cancer Control Center
Classification: Benign for Juvenile myelomonocytic leukemia. Last evaluated: 2023-07-07. Review status: criteria provided, single submitter. Criteria: ACMG Guidelines, 2015. Collection method: clinical testing. Allele origin: germline. Affected: yes.

Fulgent Genetics
Classification: Likely benign for LEOPARD syndrome 1; Metachondromatosis; Noonan syndrome 1; Juvenile myelomonocytic leukemia. Last evaluated: 2021-12-08. Review status: criteria provided, single submitter. Criteria: ACMG Guidelines, 2015. Collection method: clinical testing. Allele origin: unknown.

ARUP Laboratories, Molecular Genetics and Genomics, ARUP Laboratories
Classification: Benign. Last evaluated: 2020-04-03. Review status: criteria provided, single submitter. Criteria: ARUP Molecular Germline Variant Investigation Process. Collection method: clinical testing. Allele origin: germline.

Ambry Genetics
Classification: Likely benign for Cardiovascular phenotype. Last evaluated: 2014-12-08. Review status: criteria provided, single submitter. Criteria: Ambry Variant Classification Scheme 2023. Collection method: clinical testing. Allele origin: germline.

GeneDx
Classification: Benign. Last evaluated: 2013-06-17. Review status: criteria provided, single submitter. Criteria: GeneDx Variant Classification (06012015). Collection method: clinical testing. Allele origin: germline. Affected: yes.
Comment: This variant is considered likely benign or benign based on one or more of the following criteria: it is a conservative change, it occurs at a poorly conserved position in the protein, it is predicted to be benign by multiple in silico algorithms, and/or has population frequency not consistent with disease.

PreventionGenetics, part of Exact Sciences
Classification: Likely benign. Review status: criteria provided, single submitter. Criteria: ACMG Guidelines, 2015. Collection method: clinical testing. Allele origin: germline.